The following is an entry in ClinVar:

NM_031475.3(ESPN):c.1828G>C (p.Ala610Pro)

Gene: ESPN (espin; plus strand). Cytogenetic location: 1p36.31.
Variant type: single nucleotide variant.
Coding change: c.1828G>C on transcript NM_031475.3 (MANE Select); coding-DNA position 1828, G replaced by C.
Protein change: p.Ala610Pro; replaces alanine 610 with proline.
Molecular consequence: missense variant.
Genome position (GRCh38, 1-based): chr1:6,449,004, G>C. VCF-style: chr1-6449004-G-C. GRCh37 (hg19) VCF-style: chr1-6509064-G-C.
Other names: c.1738G>C, p.Ala580Pro (NM_001367473.1, NM_001367474.1); short protein forms A580P, A610P.
Identifiers: ClinVar variation 1254471 (VCV001254471.4), dbSNP rs546618638, ClinGen allele CA560294.

ClinVar aggregate classification (germline): Uncertain significance. Review status: criteria provided, multiple submitters, no conflicts (2 of 4 stars). 2 submissions from 2 submitters: Uncertain significance (2). Last evaluated 2022-01-16.

Allele frequency attached by ClinVar (database versions not stated): gnomAD 0.00001 and 0.00003; gnomAD exomes 0.00001 and 0.00004; ExAC 0.00011; 1000 Genomes Project 30x 0.00016; 1000 Genomes Project 0.00020.
gnomAD v4.1: 21 of 1,456,608 alleles (0.0014%); highest among the groups gnomAD compares: East Asian, 0.036%; no homozygotes.

Submissions (2):

Labcorp Genetics (formerly Invitae), Labcorp
Classification: Uncertain significance. Last evaluated: 2022-01-16. Review status: criteria provided, single submitter. Criteria: Invitae Variant Classification Sherloc (09022015). Collection method: clinical testing. Allele origin: germline.
Comment: This sequence change replaces alanine, which is neutral and non-polar, with proline, which is neutral and non-polar, at codon 610 of the ESPN protein (p.Ala610Pro). This variant is present in population databases (rs546618638, gnomAD 0.04%). This variant has not been reported in the literature in individuals affected with ESPN-related conditions. ClinVar contains an entry for this variant (Variation ID: 1254471). Algorithms developed to predict the effect of missense changes on protein structure and function (SIFT, PolyPhen-2, Align-GVGD) all suggest that this variant is likely to be tolerated. In summary, the available evidence is currently insufficient to determine the role of this variant in disease. Therefore, it has been classified as a Variant of Uncertain Significance.

GeneDx
Classification: Uncertain significance. Last evaluated: 2021-06-29. Review status: criteria provided, single submitter. Criteria: GeneDx Variant Classification Process June 2021. Collection method: clinical testing. Allele origin: germline. Affected: yes.
Comment: In silico analysis supports that this missense variant does not alter protein structure/function; Has not been previously published as pathogenic or benign to our knowledge; This variant is associated with the following publications: (PMID: 27535533)